The following is an entry in ClinVar:

NM_032444.4(SLX4):c.4336A>G (p.Thr1446Ala)

Gene: SLX4 (SLX4 structure-specific endonuclease subunit; minus strand). Cytogenetic location: 16p13.3.
Variant type: single nucleotide variant.
Coding change: c.4336A>G on transcript NM_032444.4 (MANE Select); coding-DNA position 4336, A replaced by G.
Protein change: p.Thr1446Ala; replaces threonine 1446 with alanine.
Molecular consequence: missense variant.
Genome position (GRCh38, 1-based): chr16:3,589,302, T>C on the plus strand (A>G on the coding strand, the complement: SLX4 is on the minus strand). VCF-style: chr16-3589302-T-C. GRCh37 (hg19) VCF-style: chr16-3639303-T-C.
Other names: short protein forms T1446A.
Identifiers: ClinVar variation 852253 (VCV000852253.9), dbSNP rs2040546349, ClinGen allele CA394517343.

ClinVar aggregate classification (germline): Uncertain significance (1 of 4 stars; one submission).

Conditions:
Fanconi anemia (FA). Also called: Fanconi's anemia. Identifiers: Orphanet 84, MedGen C0015625, MeSH D005199, MONDO:0019391.

Submission:

Labcorp Genetics (formerly Invitae), Labcorp
Classification: Uncertain significance for Fanconi anemia. Last evaluated: 2019-03-02. Review status: criteria provided, single submitter. Criteria: Invitae Variant Classification Sherloc (09022015). Collection method: clinical testing. Allele origin: germline.
Comment: Algorithms developed to predict the effect of missense changes on protein structure and function output the following: SIFT: "Tolerated"; PolyPhen-2: "Possibly Damaging"; Align-GVGD: "Class C0". The alanine amino acid residue is found in multiple mammalian species, suggesting that this missense change does not adversely affect protein function. These predictions have not been confirmed by published functional studies and their clinical significance is uncertain. This sequence change replaces threonine with alanine at codon 1446 of the SLX4 protein (p.Thr1446Ala). The threonine residue is moderately conserved and there is a small physicochemical difference between threonine and alanine. This variant is not present in population databases (ExAC no frequency). This variant has not been reported in the literature in individuals with SLX4-related conditions. In summary, the available evidence is currently insufficient to determine the role of this variant in disease. Therefore, it has been classified as a Variant of Uncertain Significance.